The following is an entry in ClinVar:

ClinVar aggregate classification (germline): Uncertain significance. Review status: criteria provided, multiple submitters, no conflicts (2 of 4 stars). 3 submissions from 3 submitters: Uncertain significance (3). Last evaluated 2024-03-07.

Conditions:
Frasier syndrome. Identifiers: Orphanet 347, MedGen C0950122, MeSH D052159, MONDO:0007635, OMIM 136680.
Wilms tumor 1 (WT1). Also called: Wilms tumor, somatic. Identifiers: Orphanet 654, MedGen CN033288, MONDO:0008679, OMIM 194070.
11p partial monosomy syndrome (WAGR). Also called: CHROMOSOME 11p13 DELETION SYNDROME; WAGR syndrome; WAGR Complex; WAGR Spectrum Disorder. Identifiers: Orphanet 893, MedGen C0206115, MONDO:0008681, OMIM 194072.
Drash syndrome (DDS). Also called: NEPHROPATHY, WILMS TUMOR, AND GENITAL ANOMALIES; WILMS TUMOR AND PSEUDO- OR TRUE HERMAPHRODITISM. Identifiers: Orphanet 220, MedGen C0950121, MONDO:0008682, OMIM 194080.
Mesothelioma, malignant (MESOM). Also called: Malignant mesothelioma (disease). Identifiers: Orphanet 50251, MedGen C0345967, MONDO:0006292, OMIM 156240, HP:0100001.
Meacham syndrome. Also called: Meacham Winn Culler syndrome. Identifiers: Orphanet 3097, MedGen C1837026, MONDO:0012164, OMIM 608978.
Nephrotic syndrome, type 4 (NPHS4). Also called: Familial mesangial sclerosis; Nephrotic syndrome, early onset with diffuse mesangial sclerosis. Identifiers: Orphanet 656, MedGen C3151568, MONDO:0009733, OMIM 256370.

Submissions (3):

Fulgent Genetics
Classification: Uncertain significance for Frasier syndrome; Mesothelioma, malignant; Wilms tumor 1; Drash syndrome; Nephrotic syndrome, type 4; Meacham syndrome. Last evaluated: 2024-03-07. Review status: criteria provided, single submitter. Criteria: ACMG Guidelines, 2015. Collection method: clinical testing. Allele origin: germline.

Labcorp Genetics (formerly Invitae), Labcorp
Classification: Uncertain significance for Wilms tumor 1; Drash syndrome; 11p partial monosomy syndrome; Frasier syndrome. Last evaluated: 2022-02-18. Review status: criteria provided, single submitter. Criteria: Invitae Variant Classification Sherloc (09022015). Collection method: clinical testing. Allele origin: germline.
Comment: In summary, the available evidence is currently insufficient to determine the role of this variant in disease. Therefore, it has been classified as a Variant of Uncertain Significance. Experimental studies and prediction algorithms are not available or were not evaluated, and the functional significance of this variant is currently unknown. This variant has not been reported in the literature in individuals affected with WT1-related conditions. This variant is present in population databases (no rsID available, gnomAD 0.002%). This variant, c.415_417del, results in the deletion of 1 amino acid(s) of the WT1 protein (p.Phe139del), but otherwise preserves the integrity of the reading frame.

Juno Genomics, Hangzhou Juno Genomics, Inc
Classification: Uncertain significance for Wilms tumor 1; Mesothelioma, malignant; Drash syndrome; Frasier syndrome; Meacham syndrome; Nephrotic syndrome, type 4. Review status: criteria provided, single submitter. Criteria: ACMG Guidelines, 2015. Collection method: clinical testing. Allele origin: germline.
Comment: Absent from controls (or at extremely low frequency if recessive) in Genome Aggregation Database.;Protein length changes due to in-frame deletions/insertions in a non-repeat region or stop-loss variants.

NM_024426.6(WT1):c.430_432del (p.Phe144del)

Genes: WT1 (WT1 transcription factor; minus strand), LOC107982234 (WT1/WT1-AS bi-directional promoter region; plus strand). Cytogenetic location: 11p13.
Variant type: Deletion.
Coding change: c.430_432del on transcript NM_024426.6 (MANE Select); coding-DNA positions 430 to 432, 3 bases deleted (TTC; older notation c.430_432delTTC).
Protein change: p.Phe144del; deletes phenylalanine 144.
Molecular consequence: inframe deletion. On other transcripts: inframe indel (8), non-coding transcript variant (1).
Genome position (GRCh38, 1-based): chr11:32,434,929-32,434,931, GAA deleted on the plus strand (TTC on the coding strand, the reverse complement: WT1 is on the minus strand); deleting any 3 consecutive bases within chr11:32,434,929-32,434,932 gives the same sequence; the c. name uses the placement nearest the transcript's 3' end. VCF-style (leftmost placement, unchanged base first): chr11-32434928-TGAA-T. GRCh37 (hg19) VCF-style: chr11-32456474-TGAA-T.
Other names: c.430_432del, p.Phe144del (NM_000378.6, NM_024424.5); c.429_431delCTT, p.Phe144del (NM_001407044.1, NM_001407045.1, NM_001407046.1 and 4 more transcripts); c.414_416delCTT, p.Phe139del (NM_024425.2); short protein forms F144del, F139del.
Identifiers: ClinVar variation 1980328 (VCV001980328.7), dbSNP rs1262223289, ClinGen allele CA598508257.